The following is an entry in ClinVar:

ClinVar aggregate classification (germline): Uncertain significance (1 of 4 stars; one submission).

Submission:

CeGaT Center for Human Genetics Tuebingen
Classification: Uncertain significance. Last evaluated: 2026-04-01. Review status: criteria provided, single submitter. Criteria: CeGaT Center For Human Genetics Tuebingen Variant Classification Criteria Version 2. Collection method: clinical testing. Allele origin: germline. Affected: yes. Observed: 1 variant allele.
Comment: SLC47A1: PM2, BP4

NM_018242.3(SLC47A1):c.679C>G (p.Leu227Val)

Gene: SLC47A1 (solute carrier family 47 member 1; plus strand). Cytogenetic location: 17p11.2.
Variant type: single nucleotide variant.
Coding change: c.679C>G on transcript NM_018242.3 (MANE Select); coding-DNA position 679, C replaced by G.
Protein change: p.Leu227Val; replaces leucine 227 with valine.
Molecular consequence: missense variant.
Genome position (GRCh38, 1-based): chr17:19,555,630, C>G. VCF-style: chr17-19555630-C-G. GRCh37 (hg19) VCF-style: chr17-19458943-C-G.
Other names: short protein forms L227V.
Identifiers: ClinVar variation 4874791 (VCV004874791.2).
Genomic context (GRCh38, chr17:19,555,630, plus strand): 5'-CTCATTGGGACTGTTCTTTCCAGAGGCTCTGCACTGGCAAACTTGATTTCCCAGTACACC[C>G]TGGCTCTACTCCTCTTTCTCTACATCCTCGGGAAAAAACTGCATCAAGCTACATGGGGAG-3'
Protein context (NP_060712.2, residues 217-237): ALANLISQYT[Leu227Val]ALLLFLYILG